The following is an entry in ClinVar:

NM_001845.6(COL4A1):c.2366T>C (p.Leu789Ser)

Gene: COL4A1 (collagen type IV alpha 1 chain; minus strand). Cytogenetic location: 13q34.
Variant type: single nucleotide variant.
Coding change: c.2366T>C on transcript NM_001845.6 (MANE Select); coding-DNA position 2366, T replaced by C.
Protein change: p.Leu789Ser; replaces leucine 789 with serine.
Molecular consequence: missense variant.
Genome position (GRCh38, 1-based): chr13:110,179,015, A>G on the plus strand (T>C on the coding strand, the complement: COL4A1 is on the minus strand). VCF-style: chr13-110179015-A-G. GRCh37 (hg19) VCF-style: chr13-110831362-A-G.
Other names: p.Leu789Ser; short protein forms L789S.
Identifiers: ClinVar variation 2683241 (VCV002683241.1), dbSNP rs2501782443, ClinGen allele CA388668467.

ClinVar aggregate classification (germline): Uncertain significance (1 of 4 stars; one submission).

Submission:

Mayo Clinic Laboratories, Mayo Clinic
Classification: Uncertain significance. Last evaluated: 2023-06-07. Review status: criteria provided, single submitter. Criteria: ACMG Guidelines, 2015. Collection method: clinical testing. Allele origin: germline. Observed: 2 variant alleles.
Comment: PM2_supporting